The following is an entry in ClinVar:

NM_003000.3(SDHB):c.424-13del

Gene: SDHB (succinate dehydrogenase complex iron sulfur subunit B; minus strand). Cytogenetic location: 1p36.13.
Variant type: Deletion.
Coding change: c.424-13del on transcript NM_003000.3 (MANE Select); 13 bases into the intron before coding-DNA position 424, one base deleted (C; older notation c.424-13delC).
Molecular consequence: intron variant.
Genome position (GRCh38, 1-based): chr1:17,027,878, G deleted on the plus strand (C on the coding strand, the reverse complement: SDHB is on the minus strand); the first of 2 consecutive G bases (chr1:17,027,878-17,027,879); deleting either gives the same sequence. VCF-style (leftmost placement, unchanged base first): chr1-17027877-AG-A. GRCh37 (hg19) VCF-style: chr1-17354372-AG-A.
Identifiers: ClinVar variation 2092998 (VCV002092998.6), dbSNP rs2525018450, ClinGen allele CA2580060656.
Genomic context (GRCh38, chr1:17,027,877, plus strand): 5'-TCAAATAAGGCTCAATGGATTTGTACTGTGCATAGAAGTTGCTCAAATCCTGTGGTTAAG[AG>A]GAAGAAGAAGAAGAAGAAGAAGAAAAGGATCAGATTCCATCATCACCTCAGCTTTATTTA-3'

ClinVar aggregate classification (germline): Likely benign. Review status: criteria provided, multiple submitters, no conflicts (2 of 4 stars). 3 submissions from 3 submitters: Likely benign (3). Last evaluated 2025-03-12.

Conditions:
Pheochromocytoma. Also called: MAX-Related Hereditary Paraganglioma-Pheochromocytoma Syndrome. Identifiers: Orphanet 29072, MedGen C0031511, MONDO:0008233, OMIM 171300, HP:0002666.
Pheochromocytoma/paraganglioma syndrome 4. Also called: CAROTID BODY TUMORS AND MULTIPLE EXTRAADRENAL PHEOCHROMOCYTOMAS; PARAGANGLIOMA, FAMILIAL MALIGNANT; PARAGANGLIOMAS, HEREDITARY EXTRAADRENAL; PHEOCHROMOCYTOMA, FAMILIAL EXTRAADRENAL; Paragangliomas 4; SDHB-Related Hereditary Paraganglioma-Pheochromocytoma Syndrome (Paragangliomas 4). Identifiers: Orphanet 29072, MedGen C1861848, MONDO:0007273, OMIM 115310.
Gastrointestinal stromal tumor. Also called: Gastrointestinal stroma tumor; Gastrointestinal stromal tumor, somatic. Identifiers: Orphanet 44890, MedGen C0238198, MeSH D046152, MONDO:0011719, OMIM 606764, HP:0100723.
Hereditary pheochromocytoma and paraganglioma. Also called: Hereditary Paraganglioma-Pheochromocytoma Syndromes; Hereditary pheochromocytoma-paraganglioma; Hereditary paragangliomas and pheochromocytomas. Identifiers: Orphanet 29072, MedGen C4274332, MONDO:0017366.

Submissions (3):

Myriad Genetics, Inc.
Classification: Likely benign for Pheochromocytoma/paraganglioma syndrome 4. Last evaluated: 2025-03-12. Review status: criteria provided, single submitter. Criteria: Myriad Autosomal Dominant, Autosomal Recessive and X-Linked Classification Criteria (2023). Collection method: clinical testing. Allele origin: unknown.
Comment: This variant is considered likely benign. This variant is intronic and is not expected to impact mRNA splicing.

Labcorp Genetics (formerly Invitae), Labcorp
Classification: Likely benign for Gastrointestinal stromal tumor; Pheochromocytoma/paraganglioma syndrome 4; Pheochromocytoma. Last evaluated: 2025-03-09. Review status: criteria provided, single submitter. Criteria: Invitae Variant Classification Sherloc (09022015). Collection method: clinical testing. Allele origin: germline.

All of Us Research Program, National Institutes of Health
Classification: Likely benign for Hereditary pheochromocytoma and paraganglioma. Last evaluated: 2024-08-13. Review status: criteria provided, single submitter. Criteria: ACMG Guidelines, 2015. Collection method: clinical testing. Allele origin: germline. Inheritance: Autosomal dominant inheritance. Observed: 1 variant allele, 1 heterozygote.
Comment: This study involves interpretation of variants in research participants for the purpose of population health screening. Participant phenotype was not available at the time of variant classification. Additional details can be found in publication PMID: 35346344, PMCID: PMC8962531